The following is an entry in ClinVar:

NM_139319.3(SLC17A8):c.139G>C (p.Glu47Gln)

Gene: SLC17A8 (solute carrier family 17 member 8; plus strand). Cytogenetic location: 12q23.1.
Variant type: single nucleotide variant.
Coding change: c.139G>C on transcript NM_139319.3 (MANE Select); coding-DNA position 139, G replaced by C.
Protein change: p.Glu47Gln; replaces glutamic acid 47 with glutamine.
Molecular consequence: missense variant.
Genome position (GRCh38, 1-based): chr12:100,380,738, G>C. VCF-style: chr12-100380738-G-C. GRCh37 (hg19) VCF-style: chr12-100774516-G-C.
Other names: c.139G>C, p.Glu47Gln (NM_001145288.2); short protein forms E47Q.
Identifiers: ClinVar variation 546168 (VCV000546168.4), dbSNP rs746961176, ClinGen allele CA6738674.
Genomic context (GRCh38, chr12:100,380,738, plus strand): 5'-TGCCTATCCTTTTTCCCATGTAGAAAAATCGATGGGACAACTGAGGAAGAAGATAACATT[G>C]AGCTGAATGAAGAAGGAAGGCCGGTGCAGACGTCCAGGCCAAGCCCCCCACTCTGCGACT-3'
Protein context (NP_647480.1, residues 37-57): DGTTEEEDNI[Glu47Gln]LNEEGRPVQT

ClinVar aggregate classification (germline): Uncertain significance. Review status: criteria provided, multiple submitters, no conflicts (2 of 4 stars). 2 submissions from 2 submitters: Uncertain significance (2). Last evaluated 2023-04-12.

Conditions:
Inborn genetic diseases. Identifiers: MedGen C0950123, MeSH D030342.

Allele frequency attached by ClinVar (database versions not stated): ExAC 0.00002; gnomAD exomes 0.00002; TOPMed 0.00002.

Submissions (2):

Ambry Genetics
Classification: Uncertain significance for Inborn genetic diseases. Last evaluated: 2023-04-12. Review status: criteria provided, single submitter. Criteria: Ambry Variant Classification Scheme 2023. Collection method: clinical testing. Allele origin: germline.

GeneDx
Classification: Uncertain significance. Last evaluated: 2018-05-14. Review status: criteria provided, single submitter. Criteria: GeneDx Variant Classification (06012015). Collection method: clinical testing. Allele origin: germline. Affected: yes.
Comment: The E47Q variant has not been published as a pathogenic variant, nor has it been reported as a benign variant to our knowledge. The E47Q variant is not observed at a significant frequency in large population cohorts (Lek et al., 2016). The E47Q variant is a semi-conservative amino acid substitution, which may impact secondary protein structure as these residues differ in some properties. In-silico analyses, including protein predictors and evolutionary conservation, support that this variant does not alter protein structure/function. In summary, based on the currently available information, it is unclear whether this variant is a pathogenic variant or a rare benign variant.